The following is an entry in ClinVar:

NM_006767.4(LZTR1):c.131A>G (p.Asn44Ser)

Gene: LZTR1 (leucine zipper like post translational regulator 1; plus strand). Cytogenetic location: 22q11.21.
Variant type: single nucleotide variant.
Coding change: c.131A>G on transcript NM_006767.4 (MANE Select); coding-DNA position 131, A replaced by G.
Protein change: p.Asn44Ser; replaces asparagine 44 with serine.
Molecular consequence: missense variant.
Genome position (GRCh38, 1-based): chr22:20,982,502, A>G. VCF-style: chr22-20982502-A-G. GRCh37 (hg19) VCF-style: chr22-21336791-A-G.
Other names: short protein forms N44S.
Identifiers: ClinVar variation 3869241 (VCV003869241.1).

ClinVar aggregate classification (germline): Uncertain significance (1 of 4 stars; one submission).

Conditions:
Hereditary cancer-predisposing syndrome. Also called: Hereditary neoplastic syndrome; Neoplastic Syndromes, Hereditary; Tumor predisposition; Hereditary Cancer Syndrome. Identifiers: Orphanet 140162, MedGen C0027672, MeSH D009386, MONDO:0015356.
Cardiovascular phenotype. Identifiers: MedGen CN230736.

Submission:

Ambry Genetics
Classification: Uncertain significance for Cardiovascular phenotype; Hereditary cancer-predisposing syndrome. Last evaluated: 2024-12-16. Review status: criteria provided, single submitter. Criteria: Ambry Variant Classification Scheme 2023. Collection method: clinical testing. Allele origin: germline.
Comment: The p.N44S variant (also known as c.131A>G), located in coding exon 1 of the LZTR1 gene, results from an A to G substitution at nucleotide position 131. The asparagine at codon 44 is replaced by serine, an amino acid with highly similar properties. This amino acid position is conserved. In addition, this alteration is predicted to be tolerated by in silico analysis. Based on the available evidence, the clinical significance of this variant remains unclear.